The following is an entry in ClinVar:

NM_001371904.1(APOA5):c.610C>T (p.Arg204Cys)

Gene: APOA5 (apolipoprotein A5; minus strand). Cytogenetic location: 11q23.3.
Variant type: single nucleotide variant.
Coding change: c.610C>T on transcript NM_001371904.1 (MANE Select); coding-DNA position 610, C replaced by T.
Protein change: p.Arg204Cys; replaces arginine 204 with cysteine.
Molecular consequence: missense variant.
Genome position (GRCh38, 1-based): chr11:116,790,619, G>A on the plus strand (C>T on the coding strand, the complement: APOA5 is on the minus strand). VCF-style: chr11-116790619-G-A. GRCh37 (hg19) VCF-style: chr11-116661335-G-A.
Other names: c.610C>T, p.Arg204Cys (NM_001166598.2, NM_052968.5); short protein forms R204C.
Identifiers: ClinVar variation 2978737 (VCV002978737.3), dbSNP rs546060544, ClinGen allele CA6289040.

ClinVar aggregate classification (germline): Uncertain significance (1 of 4 stars; one submission).

Allele frequency attached by ClinVar (database versions not stated): ExAC 0.00001; gnomAD 0.00002; 1000 Genomes Project 0.00020; 1000 Genomes Project 30x 0.00031.
gnomAD v4.1: 30 of 1,608,926 alleles (0.0019%); highest among the groups gnomAD compares: Non-Finnish European, 0.0024%; no homozygotes.

Submission:

Labcorp Genetics (formerly Invitae), Labcorp
Classification: Uncertain significance. Last evaluated: 2025-11-28. Review status: criteria provided, single submitter. Criteria: Invitae Variant Classification Sherloc (09022015). Collection method: clinical testing. Allele origin: germline.
Comment: This sequence change replaces arginine, which is basic and polar, with cysteine, which is neutral and slightly polar, at codon 204 of the APOA5 protein (p.Arg204Cys). This variant is not present in population databases (gnomAD no frequency). This missense change has been observed in individual(s) with dyslipidemia (PMID: 36325899). ClinVar contains an entry for this variant (Variation ID: 2978737). An algorithm developed to predict the effect of missense changes on protein structure and function (PolyPhen-2) suggests that this variant is likely to be disruptive. In summary, the available evidence is currently insufficient to determine the role of this variant in disease. Therefore, it has been classified as a Variant of Uncertain Significance.

Literature cited by the submitters: PubMed 36325899.